The following is an entry in ClinVar:

ClinVar aggregate classification (germline): Uncertain significance (1 of 4 stars; one submission).

Conditions:
Immunodeficiency. Identifiers: MedGen C0021051, MONDO:0021094, HP:0002721.

Allele frequency attached by ClinVar (database versions not stated): gnomAD exomes 0.00001 and 0.00008; TOPMed 0.00006; gnomAD 0.00007; ESP Exome Variant Server 0.00008.
gnomAD v4.1: 130 of 1,614,026 alleles (0.0081%); highest among the groups gnomAD compares: Non-Finnish European, 0.011%; no homozygotes.

Submission:

Labcorp Genetics (formerly Invitae), Labcorp
Classification: Uncertain significance for Immunodeficiency. Last evaluated: 2025-12-08. Review status: criteria provided, single submitter. Criteria: Invitae Variant Classification Sherloc (09022015). Collection method: clinical testing. Allele origin: germline.
Comment: This sequence change replaces alanine, which is neutral and non-polar, with threonine, which is neutral and polar, at codon 1048 of the NFAT5 protein (p.Ala1048Thr). This variant is present in population databases (rs372688181, gnomAD 0.003%). This variant has not been reported in the literature in individuals affected with NFAT5-related conditions. ClinVar contains an entry for this variant (Variation ID: 1060547). An algorithm developed to predict the effect of missense changes on protein structure and function outputs the following: PolyPhen-2: "Benign". The threonine amino acid residue is found in multiple mammalian species, which suggests that this missense change does not adversely affect protein function. In summary, the available evidence is currently insufficient to determine the role of this variant in disease. Therefore, it has been classified as a Variant of Uncertain Significance.

NM_138713.4(NFAT5):c.3424G>A (p.Ala1142Thr)

Gene: NFAT5 (nuclear factor of activated T cells 5; plus strand). Cytogenetic location: 16q22.1.
Variant type: single nucleotide variant.
Coding change: c.3424G>A on transcript NM_138713.4 (MANE Select); coding-DNA position 3424, G replaced by A.
Protein change: p.Ala1142Thr; replaces alanine 1142 with threonine.
Molecular consequence: missense variant.
Genome position (GRCh38, 1-based): chr16:69,693,249, G>A. VCF-style: chr16-69693249-G-A. GRCh37 (hg19) VCF-style: chr16-69727152-G-A.
Other names: c.3421G>A, p.Ala1141Thr (NM_001113178.3); c.2749G>A, p.Ala917Thr (NM_001367709.1); c.3370G>A, p.Ala1124Thr (NM_006599.4); c.3142G>A, p.Ala1048Thr (NM_138714.4, NM_173214.3, NM_173215.3); short protein forms A1048T, A1124T, A1141T, A1142T, A917T.
Identifiers: ClinVar variation 1060547 (VCV001060547.7), dbSNP rs372688181, ClinGen allele CA283374262.